The following is an entry in ClinVar:

ClinVar aggregate classification (germline): Pathogenic (1 of 4 stars; one submission).

Conditions:
Alport syndrome. Also called: Hemorrhagic familial nephritis; Hemorrhagic hereditary nephritis; Congenital hereditary hematuria. Identifiers: Orphanet 63, MedGen C1567741, MONDO:0018965.

gnomAD v4.1: 1 of 1,614,026 alleles (0.000062%); highest among the groups gnomAD compares: African/African-American, 0.0013%; no homozygotes.

Submission:

Myriad Genetics, Inc.
Classification: Pathogenic for Alport syndrome. Last evaluated: 2023-11-13. Review status: criteria provided, single submitter. Criteria: Myriad Autosomal Dominant, Autosomal Recessive and X-Linked Classification Criteria (2023). Collection method: clinical testing. Allele origin: unknown.
Comment: NM_000091.4(COL4A3):c.1952C>G(S651*) is expected to be pathogenic in the context of Alport syndrome, COL4A3-related. This variant is predicted to lead to an abnormal or absent protein product due to the creation of a premature termination codon in COL4A3, a gene where loss-of-function variants are known to be pathogenic. Please note: this variant was assessed in the context of healthy population screening.

NM_000091.5(COL4A3):c.1952C>G (p.Ser651Ter)

Genes: MFF-DT (MFF divergent transcript; minus strand), COL4A3 (collagen type IV alpha 3 chain; plus strand). Cytogenetic location: 2q36.3.
Variant type: single nucleotide variant.
Coding change: c.1952C>G on transcript NM_000091.5 (MANE Select); coding-DNA position 1952, C replaced by G.
Protein change: p.Ser651Ter; replaces serine 651 with a stop codon.
Molecular consequence: nonsense.
Genome position (GRCh38, 1-based): chr2:227,276,409, C>G. VCF-style: chr2-227276409-C-G. GRCh37 (hg19) VCF-style: chr2-228141125-C-G.
Other names: short protein forms S651*.
Identifiers: ClinVar variation 5012477 (VCV005012477.1).